The following is an entry in ClinVar:

ClinVar aggregate classification (germline): Likely pathogenic. Review status: criteria provided, multiple submitters, no conflicts (2 of 4 stars). 2 submissions from 2 submitters: Likely pathogenic (2). Last evaluated 2024-06-13.

Conditions:
King Denborough syndrome (KDS). Identifiers: MedGen C1840365, MONDO:0020485, OMIM 619542.
Central core myopathy (CMYO1A). Also called: CONGENITAL MYOPATHY 1A, AUTOSOMAL DOMINANT, WITH SUSCEPTIBILITY TO MALIGNANT HYPERTHERMIA; Central core disease; Myopathy, central fibrillar. Identifiers: Orphanet 597, MedGen C5830701, MONDO:0007294, OMIM 117000.
Congenital multicore myopathy with external ophthalmoplegia (CMYO1B). Also called: MULTIMINICORE DISEASE WITH EXTERNAL OPHTHALMOPLEGIA; MULTICORE MYOPATHY; Minicore myopathy with external ophthalmoplegia; Congenital myopathy 1B, autosomal recessive; Minicore myopathy. Identifiers: Orphanet 598, Orphanet 98905, MedGen C1850674, MONDO:0009712, OMIM 255320, HP:0003789.
Malignant hyperthermia, susceptibility to, 1 (MHS1). Also called: Malignant hyperthermia suceptibility 1; Anesthesia related hyperthermia; Malignant hyperpyrexia; Fulminating hyperpyrexia; Pharmacogenic myopathy; RYR1-Related Malignant Hyperthermia Susceptibility. Identifiers: Orphanet 423, MedGen C2930980, MONDO:0007783, OMIM 145600.
RYR1-related disorder. Also called: RYR1-related disorders; RYR1-related condition. Identifiers: MedGen CN239331.

Allele frequency attached by ClinVar (database versions not stated): gnomAD exomes below 0.00001.
gnomAD v4.1: 1 of 1,613,668 alleles (0.000062%); highest among the groups gnomAD compares: East Asian, 0.0022%; no homozygotes.

Submissions (2):

Fulgent Genetics
Classification: Likely pathogenic for Central core myopathy; Malignant hyperthermia, susceptibility to, 1; Congenital multicore myopathy with external ophthalmoplegia; King Denborough syndrome. Last evaluated: 2024-06-13. Review status: criteria provided, single submitter. Criteria: ACMG Guidelines, 2015. Collection method: clinical testing. Allele origin: germline.

Labcorp Genetics (formerly Invitae), Labcorp
Classification: Likely pathogenic for RYR1-related disorder. Last evaluated: 2023-02-24. Review status: criteria provided, single submitter. Criteria: Invitae Variant Classification Sherloc (09022015). Collection method: clinical testing. Allele origin: germline.
Comment: This variant has not been reported in the literature in individuals affected with RYR1-related conditions. This variant is present in population databases (no rsID available, gnomAD 0.01%). This sequence change affects a donor splice site in intron 83 of the RYR1 gene. It is expected to disrupt RNA splicing. Variants that disrupt the donor or acceptor splice site typically lead to a loss of protein function (PMID: 16199547), and loss-of-function variants in RYR1 are known to be pathogenic (PMID: 23919265, 25960145, 28818389, 30611313). Algorithms developed to predict the effect of sequence changes on RNA splicing suggest that this variant may disrupt the consensus splice site. In summary, the currently available evidence indicates that the variant is pathogenic, but additional data are needed to prove that conclusively. Therefore, this variant has been classified as Likely Pathogenic.

Literature cited by the submitters: PubMed 16199547 (cited by Labcorp Genetics (formerly Invitae), Labcorp); PubMed 23919265 (cited by Labcorp Genetics (formerly Invitae), Labcorp); PubMed 25960145 (cited by Labcorp Genetics (formerly Invitae), Labcorp); PubMed 28818389 (cited by Labcorp Genetics (formerly Invitae), Labcorp); PubMed 30611313 (cited by Labcorp Genetics (formerly Invitae), Labcorp).

NM_000540.3(RYR1):c.11608+1G>A

Gene: RYR1 (ryanodine receptor 1; plus strand). Cytogenetic location: 19q13.2.
Variant type: single nucleotide variant.
Coding change: c.11608+1G>A on transcript NM_000540.3 (MANE Select); the canonical splice donor site of the intron after coding-DNA position 11608, G replaced by A.
Molecular consequence: splice donor variant.
Genome position (GRCh38, 1-based): chr19:38,536,768, G>A. VCF-style: chr19-38536768-G-A. GRCh37 (hg19) VCF-style: chr19-39027408-G-A.
Other names: c.11593+1G>A (NM_001042723.2).
Identifiers: ClinVar variation 2916612 (VCV002916612.4), dbSNP rs1354044963, ClinGen allele CA405657664.
Genomic context (GRCh38, chr19:38,536,768, plus strand): 5'-CTTTTCTCCTGCTTCCTCCTCCCATCCTGTTGGCTGCCCCAGTCATCAATCGCCAGAACG[G>A]TAATTCCCCCAGCCCACCCCCGTGCTGTGCTGCTGTCACCCACCCCTCCTAACCCCGTCC-3'